The following is an entry in ClinVar:

NM_177972.3(TUB):c.523C>T (p.Arg175Trp)

Genes: RIC3 (RIC3 acetylcholine receptor chaperone; minus strand), TUB (TUB bipartite transcription factor; plus strand). Cytogenetic location: 11p15.4.
Variant type: single nucleotide variant.
Coding change: c.523C>T on transcript NM_177972.3 (MANE Select); coding-DNA position 523, C replaced by T.
Protein change: p.Arg175Trp; replaces arginine 175 with tryptophan.
Molecular consequence: missense variant.
Genome position (GRCh38, 1-based): chr11:8,095,623, C>T. VCF-style: chr11-8095623-C-T. GRCh37 (hg19) VCF-style: chr11-8117170-C-T.
Other names: c.688C>T (NM_003320.4); c.688C>T, p.Arg230Trp (NM_003320.5); short protein forms R175W, R230W.
Identifiers: ClinVar variation 1412006 (VCV001412006.10), dbSNP rs752675874, ClinGen allele CA5871120.

ClinVar aggregate classification (germline): Uncertain significance. Review status: criteria provided, multiple submitters, no conflicts (2 of 4 stars). 5 submissions from 5 submitters: Uncertain significance (5). Last evaluated 2025-08-14.

Conditions:
TUB-related disorder. Also called: TUB-related condition.

Allele frequency attached by ClinVar (database versions not stated): ExAC 0.00001; gnomAD 0.00002 and 0.00003; gnomAD exomes 0.00002; TOPMed 0.00003.
gnomAD v4.1: 38 of 1,610,160 alleles (0.0024%); highest among the groups gnomAD compares: Middle Eastern, 0.016%; no homozygotes.

Submissions (5):

PreventionGenetics, part of Exact Sciences
Classification: Uncertain significance for TUB-related condition. Last evaluated: 2025-08-14. Review status: criteria provided, single submitter. Criteria: ACMG Guidelines, 2015. Collection method: clinical testing. Allele origin: germline.
Comment: The TUB c.688C>T variant is predicted to result in the amino acid substitution p.Arg230Trp. To our knowledge, this variant has not been reported in the literature. This variant is reported in 0.0067% of alleles in individuals of South Asian descent in gnomAD. At this time, the clinical significance of this variant is uncertain due to the absence of conclusive functional and genetic evidence.

Blueprint Genetics
Classification: Uncertain significance. Last evaluated: 2024-11-26. Review status: criteria provided, single submitter. Criteria: ACMG Guidelines, 2015. Collection method: clinical testing. Allele origin: germline.

Labcorp Genetics (formerly Invitae), Labcorp
Classification: Uncertain significance. Last evaluated: 2022-07-05. Review status: criteria provided, single submitter. Criteria: Invitae Variant Classification Sherloc (09022015). Collection method: clinical testing. Allele origin: germline.
Comment: In summary, the available evidence is currently insufficient to determine the role of this variant in disease. Therefore, it has been classified as a Variant of Uncertain Significance. Algorithms developed to predict the effect of missense changes on protein structure and function are either unavailable or do not agree on the potential impact of this missense change (SIFT: "Deleterious"; PolyPhen-2: "Possibly Damaging"; Align-GVGD: "Class C0"). ClinVar contains an entry for this variant (Variation ID: 1412006). This variant has not been reported in the literature in individuals affected with TUB-related conditions. This variant is present in population databases (rs752675874, gnomAD 0.007%). This sequence change replaces arginine, which is basic and polar, with tryptophan, which is neutral and slightly polar, at codon 230 of the TUB protein (p.Arg230Trp).

Ambry Genetics
Classification: Uncertain significance. Last evaluated: 2022-06-27. Review status: criteria provided, single submitter. Criteria: Ambry Variant Classification Scheme 2023. Collection method: clinical testing. Allele origin: germline.

GeneDx
Classification: Uncertain significance. Last evaluated: 2022-03-31. Review status: criteria provided, single submitter. Criteria: GeneDx Variant Classification Process June 2021. Collection method: clinical testing. Allele origin: germline. Affected: yes.
Comment: In silico analysis supports that this missense variant does not alter protein structure/function; Has not been previously published as pathogenic or benign to our knowledge; Variants in candidate genes are classified as variants of uncertain significance in accordance with ACMG guidelines (Richards et al., 2015)